The following is an entry in ClinVar:

ClinVar aggregate classification (germline): Conflicting classifications of pathogenicity. Review status: criteria provided, conflicting classifications (1 of 4 stars). 5 submissions from 5 submitters: Uncertain significance (3); Likely benign (2). Last evaluated 2026-01-19.

Conditions:
Spastic paraplegia. Identifiers: MedGen C0037772, HP:0001258.
Charlevoix-Saguenay spastic ataxia (SACS). Also called: SPASTIC ATAXIA 6, AUTOSOMAL RECESSIVE; AUTOSOMAL RECESSIVE SPASTIC ATAXIA OF CHARLEVOIX-SAGUENAY; Spastic ataxia of Charlevoix-Saguenay. Identifiers: Orphanet 98, MedGen C1849140, MONDO:0010041, OMIM 270550.

Allele frequency attached by ClinVar (database versions not stated): gnomAD 0.00010 and 0.00011; gnomAD exomes 0.00011 and 0.00019; TOPMed 0.00011; ExAC 0.00016; ESP Exome Variant Server 0.00008.

Submissions (5):

Labcorp Genetics (formerly Invitae), Labcorp
Classification: Likely benign for Spastic paraplegia. Last evaluated: 2026-01-19. Review status: criteria provided, single submitter. Criteria: Invitae Variant Classification Sherloc (09022015). Collection method: clinical testing. Allele origin: germline.

Genome-Nilou Lab
Classification: Uncertain significance for Charlevoix-Saguenay spastic ataxia. Last evaluated: 2021-09-05. Review status: criteria provided, single submitter. Criteria: ACMG Guidelines, 2015. Collection method: clinical testing. Allele origin: germline. Affected: no.

Athena Diagnostics
Classification: Likely benign. Last evaluated: 2021-02-26. Review status: criteria provided, single submitter. Criteria: Athena Diagnostics criteria. Collection method: clinical testing. Allele origin: unknown.

Illumina Laboratory Services, Illumina
Classification: Uncertain significance for Charlevoix-Saguenay spastic ataxia. Last evaluated: 2018-01-13. Review status: criteria provided, single submitter. Criteria: ICSL Variant Classification Criteria 13 December 2019. Collection method: clinical testing. Allele origin: germline.

GeneDx
Classification: Uncertain significance. Last evaluated: 2017-04-20. Review status: criteria provided, single submitter. Criteria: GeneDx Variant Classification (06012015). Collection method: clinical testing. Allele origin: germline. Affected: yes.
Comment: The S894L variant in the SACS gene has not been reported previously as a pathogenic variant, nor as a benign variant, to our knowledge. The S894L variant is observed in 19/66582 (0.028%) alleles from individuals of European (Non-Finnish) background, in the ExAC dataset (Lek et al., 2016). The S894L variant is a non-conservative amino acid substitution, which occurs at a position that is conserved in mammals. In silico analysis predicts this variant is probably damaging to the protein structure/function. We interpret S894L as a variant of uncertain significance.

NM_014363.6(SACS):c.2681C>T (p.Ser894Leu)

Gene: SACS (sacsin molecular chaperone; minus strand). Cytogenetic location: 13q12.12.
Variant type: single nucleotide variant.
Coding change: c.2681C>T on transcript NM_014363.6 (MANE Select); coding-DNA position 2681, C replaced by T.
Protein change: p.Ser894Leu; replaces serine 894 with leucine.
Molecular consequence: missense variant.
Genome position (GRCh38, 1-based): chr13:23,341,195, G>A on the plus strand (C>T on the coding strand, the complement: SACS is on the minus strand). VCF-style: chr13-23341195-G-A. GRCh37 (hg19) VCF-style: chr13-23915334-G-A.
Other names: c.2240C>T, p.Ser747Leu (NM_001278055.2); short protein forms S894L, S747L.
Identifiers: ClinVar variation 311554 (VCV000311554.20), dbSNP rs201857647, ClinGen allele CA6911646.
Genomic context (GRCh38, chr13:23,341,195, plus strand): 5'-CTGCTATCGGTTAAACTAGCCAAGAACTTCCTCAGGGCATCTTTGTGTGTTGGAAGTAGC[G>A]AAGTTATTTGATTACACAATTTCTGCAATGGCATCTTCTCCATTATCTGCAAAACAGCAC-3'
Protein context (NP_055178.3, residues 884-904): PLQKLCNQIT[Ser894Leu]LLPTHKDALR